The following is an entry in ClinVar:

NM_032119.4(ADGRV1):c.5444-281A>G

Gene: ADGRV1 (adhesion G protein-coupled receptor V1; plus strand). Cytogenetic location: 5q14.3.
Variant type: single nucleotide variant.
Coding change: c.5444-281A>G on transcript NM_032119.4 (MANE Select); 281 bases into the intron before coding-DNA position 5444, A replaced by G.
Molecular consequence: intron variant.
Genome position (GRCh38, 1-based): chr5:90,679,268, A>G. VCF-style: chr5-90679268-A-G. GRCh37 (hg19) VCF-style: chr5-89975085-A-G.
Identifiers: ClinVar variation 667601 (VCV000667601.1), dbSNP rs7721198, ClinGen allele CA12118950.

ClinVar aggregate classification (germline): Benign (1 of 4 stars; one submission).

Allele frequency attached by ClinVar (database versions not stated): gnomAD 0.73587 and 0.73665; TOPMed 0.75467; 1000 Genomes Project 30x 0.79950; 1000 Genomes Project 0.80351.
gnomAD v4.1: 111,867 of 152,068 alleles (74%); highest among the groups gnomAD compares: African/African-American, 90%; 42,181 homozygotes.

Submission:

GeneDx
Classification: Benign. Last evaluated: 2018-06-14. Review status: criteria provided, single submitter. Criteria: GeneDx Variant Classification (06012015). Collection method: clinical testing. Allele origin: germline. Affected: yes.
Comment: This variant is considered likely benign or benign based on one or more of the following criteria: it is a conservative change, it occurs at a poorly conserved position in the protein, it is predicted to be benign by multiple in silico algorithms, and/or has population frequency not consistent with disease.